The following is an entry in ClinVar:

NM_001005242.3(PKP2):c.1001C>T (p.Thr334Ile)

Gene: PKP2 (plakophilin 2; minus strand). Cytogenetic location: 12p11.21.
Variant type: single nucleotide variant.
Coding change: c.1001C>T on transcript NM_001005242.3 (MANE Select); coding-DNA position 1001, C replaced by T.
Protein change: p.Thr334Ile; replaces threonine 334 with isoleucine.
Molecular consequence: missense variant.
Genome position (GRCh38, 1-based): chr12:32,877,879, G>A on the plus strand (C>T on the coding strand, the complement: PKP2 is on the minus strand). VCF-style: chr12-32877879-G-A. GRCh37 (hg19) VCF-style: chr12-33030813-G-A.
Other names: c.1001C>T, p.Thr334Ile (NM_004572.4, NM_001407155.1, NM_001407156.1 and 2 more transcripts); c.674C>T, p.Thr225Ile (NM_001407158.1, NM_001407159.1, NM_001407160.1 and 1 more transcripts); short protein forms T225I, T334I.
Identifiers: ClinVar variation 4138097 (VCV004138097.1).
Genomic context (GRCh38, chr12:32,877,879, plus strand): 5'-GAACTGCAGAGTCAGGAGGGGACTTACCCCAGCTGGGAGTCAGTGAAAGTGCTTCTCTCA[G>A]TGAGCAGATTCCCACTTCCCCCTGCGGCCGCCTGGCCGACAGTCAAGTGCGCTCTCCTCC-3'
Protein context (NP_001005242.2, residues 324-344): AAAGGSGNLL[Thr334Ile]ERSTFTDSQL

ClinVar aggregate classification (germline): Uncertain significance (1 of 4 stars; one submission).

Conditions:
Cardiovascular phenotype. Identifiers: MedGen CN230736.

Submission:

Ambry Genetics
Classification: Uncertain significance for Cardiovascular phenotype. Last evaluated: 2025-07-21. Review status: criteria provided, single submitter. Criteria: Ambry Variant Classification Scheme 2023. Collection method: clinical testing. Allele origin: germline.
Comment: The p.T334I variant (also known as c.1001C>T), located in coding exon 3 of the PKP2 gene, results from a C to T substitution at nucleotide position 1001. The threonine at codon 334 is replaced by isoleucine, an amino acid with similar properties. This amino acid position is conserved. In addition, this alteration is predicted to be tolerated by in silico analysis. Based on the available evidence, the clinical significance of this variant remains unclear.